The following is an entry in ClinVar:

ClinVar aggregate classification (germline): Uncertain significance (1 of 4 stars; one submission).

Submission:

GeneDx
Classification: Uncertain significance. Last evaluated: 2026-02-10. Review status: criteria provided, single submitter. Criteria: GeneDx Variant Classification Process June 2021. Collection method: clinical testing. Allele origin: germline.
Comment: Not observed at significant frequency in large population cohorts (gnomAD); In silico analysis suggests that this missense variant does not alter protein structure/function; This variant is associated with the following publications: (PMID: 37070754, 34169998, 35652544)

NM_006736.6(DNAJB2):c.700A>T (p.Thr234Ser)

Gene: DNAJB2 (DnaJ heat shock protein family (Hsp40) member B2; plus strand). Cytogenetic location: 2q35.
Variant type: single nucleotide variant.
Coding change: c.700A>T on transcript NM_006736.6 (MANE Select); coding-DNA position 700, A replaced by T.
Protein change: p.Thr234Ser; replaces threonine 234 with serine.
Molecular consequence: missense variant.
Genome position (GRCh38, 1-based): chr2:219,284,712, A>T. VCF-style: chr2-219284712-A-T. GRCh37 (hg19) VCF-style: chr2-220149434-A-T.
Other names: c.700A>T, p.Thr234Ser (NM_001039550.2); short protein forms T234S.
Identifiers: ClinVar variation 4888115 (VCV004888115.1).